The following is an entry in ClinVar:

NM_145207.3(AFG2A):c.1343C>T (p.Ser448Leu)

Gene: AFG2A (AAA ATPase AFG2A; plus strand). Cytogenetic location: 4q28.1.
Variant type: single nucleotide variant.
Coding change: c.1343C>T on transcript NM_145207.3 (MANE Select); coding-DNA position 1343, C replaced by T.
Protein change: p.Ser448Leu; replaces serine 448 with leucine.
Molecular consequence: missense variant.
Genome position (GRCh38, 1-based): chr4:122,938,134, C>T. VCF-style: chr4-122938134-C-T. GRCh37 (hg19) VCF-style: chr4-123859289-C-T.
Other names: c.1340C>T, p.Ser447Leu (NM_001317799.2, NM_001345856.2); short protein forms S448L, S447L.
Identifiers: ClinVar variation 203527 (VCV000203527.9), dbSNP rs766034355, ClinGen allele CA206522.

ClinVar aggregate classification (germline): Pathogenic. Review status: criteria provided, single submitter (1 of 4 stars). 2 submissions from 2 submitters: Pathogenic (1). 1 of the submissions does not count toward it. Last evaluated 2025-08-18.

Conditions:
Microcephaly-intellectual disability-sensorineural hearing loss-epilepsy-abnormal muscle tone syndrome (NEDHSB). Also called: NEURODEVELOPMENTAL DISORDER WITH HEARING LOSS, SEIZURES, AND BRAIN ABNORMALITIES. Identifiers: Orphanet 457351, MedGen C4225276, MONDO:0014698, OMIM 616577.

Allele frequency attached by ClinVar (database versions not stated): gnomAD exomes below 0.00001 and 0.00002; gnomAD 0.00002; TOPMed 0.00002; ExAC 0.00002.
gnomAD v4.1: 8 of 1,600,934 alleles (0.0005%); highest among the groups gnomAD compares: Non-Finnish European, 0.00068%; no homozygotes.

Submissions (2):

Labcorp Genetics (formerly Invitae), Labcorp
Classification: Pathogenic for Microcephaly-intellectual disability-sensorineural hearing loss-epilepsy-abnormal muscle tone syndrome. Last evaluated: 2025-08-18. Review status: criteria provided, single submitter. Criteria: Invitae Variant Classification Sherloc (09022015). Collection method: clinical testing. Allele origin: germline.
Comment: This sequence change replaces serine, which is neutral and polar, with leucine, which is neutral and non-polar, at codon 448 of the SPATA5 protein (p.Ser448Leu). This variant is present in population databases (rs766034355, gnomAD 0.004%). This missense change has been observed in individual(s) with clinical features of autosomal recessive epilepsy, hearing loss, and intellectual disability syndrome (EHLIDS) (PMID: 26299366, 29389922). In at least one individual the data is consistent with being in trans (on the opposite chromosome) from a pathogenic variant. ClinVar contains an entry for this variant (Variation ID: 203527). Invitae Evidence Modeling of protein sequence and biophysical properties (such as structural, functional, and spatial information, amino acid conservation, physicochemical variation, residue mobility, and thermodynamic stability) has been performed for this missense variant. However, the output from this modeling did not meet the statistical confidence thresholds required to predict the impact of this variant on SPATA5 protein function. For these reasons, this variant has been classified as Pathogenic.

OMIM
Classification: Pathogenic for NEURODEVELOPMENTAL DISORDER WITH HEARING LOSS, SEIZURES, AND BRAIN ABNORMALITIES. Last evaluated: 2015-09-03. Review status: no assertion criteria provided. Collection method: literature only. Allele origin: germline. Not counted in ClinVar's aggregate classification.

Literature cited by the submitters: PubMed 26299366 (cited by Labcorp Genetics (formerly Invitae), Labcorp and OMIM); PubMed 29389922 (cited by Labcorp Genetics (formerly Invitae), Labcorp).